The following is an entry in ClinVar:

ClinVar aggregate classification (germline): Conflicting classifications of pathogenicity. Review status: criteria provided, conflicting classifications (1 of 4 stars). 4 submissions from 4 submitters: Uncertain significance (3); Likely benign (1). Last evaluated 2025-09-01.

Conditions:
Hereditary cancer-predisposing syndrome. Also called: Tumor predisposition; Hereditary Cancer Syndrome; Hereditary neoplastic syndrome; Neoplastic Syndromes, Hereditary. Identifiers: Orphanet 140162, MedGen C0027672, MeSH D009386, MONDO:0015356.
Hereditary nonpolyposis colorectal neoplasms. Identifiers: MedGen C0009405, MeSH D003123.

Allele frequency attached by ClinVar (database versions not stated): gnomAD exomes below 0.00001 and 0.00001; TOPMed below 0.00001; gnomAD 0.00001.
gnomAD v4.1: 11 of 1,613,996 alleles (0.00068%); highest among the groups gnomAD compares: African/African-American, 0.0013%; no homozygotes.

Submissions (4):

Labcorp Genetics (formerly Invitae), Labcorp
Classification: Likely benign for Hereditary nonpolyposis colorectal neoplasms. Last evaluated: 2025-09-01. Review status: criteria provided, single submitter. Criteria: Invitae Variant Classification Sherloc (09022015). Collection method: clinical testing. Allele origin: germline.

Ambry Genetics
Classification: Uncertain significance for Hereditary cancer-predisposing syndrome. Last evaluated: 2024-03-06. Review status: criteria provided, single submitter. Criteria: Ambry Variant Classification Scheme 2023. Collection method: clinical testing. Allele origin: germline.
Comment: The p.A921V variant (also known as c.2762C>T), located in coding exon 4 of the MSH6 gene, results from a C to T substitution at nucleotide position 2762. The alanine at codon 921 is replaced by valine, an amino acid with similar properties. This amino acid position is highly conserved in available vertebrate species. In addition, this alteration is predicted to be deleterious by in silico analysis. Since supporting evidence is limited at this time, the clinical significance of this alteration remains unclear.

GeneDx
Classification: Uncertain significance. Last evaluated: 2021-09-15. Review status: criteria provided, single submitter. Criteria: GeneDx Variant Classification Process June 2021. Collection method: clinical testing. Allele origin: germline. Affected: yes.
Comment: Not observed at significant frequency in large population cohorts (Lek et al., 2016); In silico analysis supports that this missense variant has a deleterious effect on protein structure/function; Has not been previously published as pathogenic or benign to our knowledge; This variant is associated with the following publications: (PMID: 17531815, 21120944)

Women's Health and Genetics/Laboratory Corporation of America, LabCorp
Classification: Uncertain significance. Last evaluated: 2021-05-04. Review status: criteria provided, single submitter. Criteria: LabCorp Variant Classification Summary - May 2015. Collection method: clinical testing. Allele origin: germline.
Comment: Variant summary: MSH6 c.2762C>T (p.Ala921Val) results in a non-conservative amino acid change located in the DNA mismatch repair protein MutS, core domain of the encoded protein sequence. Five of five in-silico tools predict a damaging effect of the variant on protein function. The variant allele was found at a frequency of 4e-06 in 250950 control chromosomes. The available data on variant occurrences in the general population are insufficient to allow any conclusion about variant significance. To our knowledge, no occurrence of c.2762C>T in individuals affected with Hereditary Nonpolyposis Colorectal Cancer and no experimental evidence demonstrating its impact on protein function have been reported. Two clinical diagnostic laboratories have submitted clinical-significance assessments for this variant to ClinVar after 2014 without evidence for independent evaluation. All laboratories classified the variant as uncertain significance. Based on the evidence outlined above, the variant was classified as uncertain significance.

NM_000179.3(MSH6):c.2762C>T (p.Ala921Val)

Gene: MSH6 (mutS homolog 6; plus strand). Cytogenetic location: 2p16.3.
Variant type: single nucleotide variant.
Coding change: c.2762C>T on transcript NM_000179.3 (MANE Select); coding-DNA position 2762, C replaced by T.
Protein change: p.Ala921Val; replaces alanine 921 with valine.
Molecular consequence: missense variant.
Genome position (GRCh38, 1-based): chr2:47,800,745, C>T. VCF-style: chr2-47800745-C-T. GRCh37 (hg19) VCF-style: chr2-48027884-C-T.
Other names: c.2372C>T, p.Ala791Val (NM_001281492.2); c.1856C>T, p.Ala619Val (NM_001281493.2, NM_001281494.2); short protein forms A921V, A791V, A619V.
Identifiers: ClinVar variation 410516 (VCV000410516.19), dbSNP rs1060502936, ClinGen allele CA16610946.